The following is an entry in ClinVar:

ClinVar aggregate classification (germline): Likely pathogenic. Review status: criteria provided, single submitter (1 of 4 stars). 2 submissions from 2 submitters: Likely pathogenic (1). 1 of the submissions does not count toward it. Last evaluated 2020-02-14.

Conditions:
Hypothyroidism, congenital, nongoitrous, 7 (CHNG7). Also called: Resistance to thyrotropin-releasing hormone syndrome; Thyrotropin-releasing hormone resistance, generalized. Identifiers: Orphanet 99832, MedGen C1861106, MONDO:0032819, OMIM 618573.

Submissions (2):

SIB Swiss Institute of Bioinformatics
Classification: Likely pathogenic for Hypothyroidism, congenital, nongoitrous, 7. Last evaluated: 2020-02-14. Review status: criteria provided, single submitter. Criteria: ACMG Guidelines, 2015. Collection method: curation. Allele origin: unknown.
Comment: This variant is interpreted as likely pathogenic for Hypothyroidism, congenital, non-goitrous, 7, autosomal recessive. The following ACMG Tag(s) were applied: PM2, PS3, PM3.

OMIM
Classification: Pathogenic for HYPOTHYROIDISM, CONGENITAL, NONGOITROUS, 7. Last evaluated: 1997-05-01. Review status: no assertion criteria provided. Collection method: literature only. Allele origin: germline. Not counted in ClinVar's aggregate classification.

Literature cited by the submitters: PubMed 9141550 (cited by SIB Swiss Institute of Bioinformatics and OMIM).

NM_003301.7(TRHR):c.343_352delinsA (p.Ser115_Ala118delinsThr)

Gene: TRHR (thyrotropin releasing hormone receptor; plus strand). Cytogenetic location: 8q23.1.
Variant type: Indel.
Coding change: c.343_352delinsA on transcript NM_003301.7 (MANE Select); coding-DNA positions 343 to 352, TCAATAACAG replaced by A.
Protein change: p.Ser115_Ala118delinsThr.
Molecular consequence: inframe indel.
Genome position (GRCh38, 1-based): chr8:109,087,855-109,087,864, TCAATAACAG replaced by A. VCF-style: chr8-109087855-TCAATAACAG-A. GRCh37 (hg19) VCF-style: chr8-110100084-TCAATAACAG-A.
Other names: A118T.
Identifiers: ClinVar variation 12681 (VCV000012681.3), dbSNP rs1586182912, ClinGen allele CA915940668.